The following is an entry in ClinVar:

NM_022042.4(SLC26A1):c.535C>T (p.Arg179Cys)

Genes: IDUA (alpha-L-iduronidase; plus strand), SLC26A1 (solute carrier family 26 member 1; minus strand). Cytogenetic location: 4p16.3.
Variant type: single nucleotide variant.
Coding change: c.535C>T on transcript NM_022042.4 (MANE Select); coding-DNA position 535, C replaced by T.
Protein change: p.Arg179Cys; replaces arginine 179 with cysteine.
Molecular consequence: missense variant. On other transcripts: intron variant (1).
Genome position (GRCh38, 1-based): chr4:991,169, G>A on the plus strand (C>T on the coding strand, the complement: SLC26A1 is on the minus strand). VCF-style: chr4-991169-G-A. GRCh37 (hg19) VCF-style: chr4-984957-G-A.
Other names: c.535C>T (NM_213613.2); c.535C>T, p.Arg179Cys (NM_134425.4, NM_213613.4); c.299+3220G>A (NM_000203.5); short protein forms R179C.
Identifiers: ClinVar variation 1025054 (VCV001025054.13), dbSNP rs370208644, ClinGen allele CA2801641.

ClinVar aggregate classification (germline): Uncertain significance. Review status: criteria provided, multiple submitters, no conflicts (2 of 4 stars). 4 submissions from 4 submitters: Uncertain significance (4). Last evaluated 2026-01-08.

Conditions:
Inborn genetic diseases. Identifiers: MedGen C0950123, MeSH D030342.
Nephrolithiasis, calcium oxalate. Also called: Calcium oxalate urolithiasis. Identifiers: MedGen C1833683, MONDO:0957318, HP:0008672.
Hyperoxaluria. Identifiers: MedGen C0020500, HP:0003159.

Allele frequency attached by ClinVar (database versions not stated): gnomAD 0.00014; TOPMed 0.00016; ESP Exome Variant Server 0.00008; ExAC 0.00010.
gnomAD v4.1: 228 of 1,567,516 alleles (0.015%); highest among the groups gnomAD compares: Middle Eastern, 0.12%; no homozygotes.

Submissions (4):

Labcorp Genetics (formerly Invitae), Labcorp
Classification: Uncertain significance. Last evaluated: 2026-01-08. Review status: criteria provided, single submitter. Criteria: Invitae Variant Classification Sherloc (09022015). Collection method: clinical testing. Allele origin: germline.
Comment: This sequence change replaces arginine, which is basic and polar, with cysteine, which is neutral and slightly polar, at codon 179 of the SLC26A1 protein (p.Arg179Cys). This variant is present in population databases (rs370208644, gnomAD 0.03%). This variant has not been reported in the literature in individuals affected with SLC26A1-related conditions. ClinVar contains an entry for this variant (Variation ID: 1025054). Invitae Evidence Modeling of protein sequence and biophysical properties (such as structural, functional, and spatial information, amino acid conservation, physicochemical variation, residue mobility, and thermodynamic stability) indicates that this missense variant is not expected to disrupt SLC26A1 protein function with a negative predictive value of 80%. In summary, the available evidence is currently insufficient to determine the role of this variant in disease. Therefore, it has been classified as a Variant of Uncertain Significance.

Ambry Genetics
Classification: Uncertain significance for Inborn genetic diseases. Last evaluated: 2025-07-02. Review status: criteria provided, single submitter. Criteria: Ambry Variant Classification Scheme 2023. Collection method: clinical testing. Allele origin: germline.

Institute of Human Genetics, University of Leipzig Medical Center
Classification: Uncertain significance for Hyperoxaluria. Last evaluated: 2023-05-15. Review status: criteria provided, single submitter. Criteria: ACMG Guidelines, 2015. Collection method: research. Allele origin: unknown. Affected: yes. Observed: 1 heterozygote.

Fulgent Genetics
Classification: Uncertain significance for Nephrolithiasis susceptibility caused by SLC26A1. Last evaluated: 2022-03-21. Review status: criteria provided, single submitter. Criteria: ACMG Guidelines, 2015. Collection method: clinical testing. Allele origin: unknown.